The following is an entry in ClinVar:

NM_001379403.1(WDR26):c.1065G>A (p.Gly355=)

Gene: WDR26 (WD repeat domain 26; minus strand). Cytogenetic location: 1q42.12.
Variant type: single nucleotide variant.
Coding change: c.1065G>A on transcript NM_001379403.1 (MANE Select); coding-DNA position 1065, G replaced by A.
Protein change: p.Gly355=; no amino-acid change (glycine 355 retained).
Molecular consequence: synonymous variant.
Genome position (GRCh38, 1-based): chr1:224,419,615, C>T on the plus strand (G>A on the coding strand, the complement: WDR26 is on the minus strand). VCF-style: chr1-224419615-C-T. GRCh37 (hg19) VCF-style: chr1-224607317-C-T.
Other names: c.717G>A, p.Gly239= (NM_001115113.3); c.765G>A, p.Gly255= (NM_025160.7).
Identifiers: ClinVar variation 4823594 (VCV004823594.4).
Genomic context (GRCh38, chr1:224,419,615, plus strand): 5'-CCCTTTGCCTTCCCATTCTGCTTTTGCACGTAGGTCTTCTGCATGGCTACACATCAGATA[C>T]CTAAAAATACAACAGAGAAAGCAACCAATATTAAACCCATTTCTTTGTAATAAATGTAAT-3'
Protein context (NP_001366332.1, residues 345-365): YNTERIHVLS[Gly355=]YLMCSHAEDL

ClinVar aggregate classification (germline): Likely benign (1 of 4 stars; one submission).

Submission:

CeGaT Center for Human Genetics Tuebingen
Classification: Likely benign. Last evaluated: 2026-03-01. Review status: criteria provided, single submitter. Criteria: CeGaT Center For Human Genetics Tuebingen Variant Classification Criteria Version 2. Collection method: clinical testing. Allele origin: germline. Affected: yes. Observed: 1 variant allele.
Comment: WDR26: PM2:Supporting, BP4, BP7